The following is an entry in ClinVar:

ClinVar aggregate classification (germline): Conflicting classifications of pathogenicity. Review status: criteria provided, conflicting classifications (1 of 4 stars). 3 submissions from 3 submitters: Likely pathogenic (1); Uncertain significance (1). 1 of the submissions does not count toward it. Last evaluated 2024-05-05.

Conditions:
Aniridia 1 (AN1). Identifiers: Orphanet 250923, MedGen C0344542, MONDO:0024507, OMIM 106210.
Irido-corneo-trabecular dysgenesis (ASGD5). Also called: ANTERIOR SEGMENT DYSGENESIS 5. Identifiers: Orphanet 708, MedGen C0344559, MONDO:0011414, OMIM 604229, HP:0000659.

Submissions (3):

Labcorp Genetics (formerly Invitae), Labcorp
Classification: Uncertain significance for Aniridia 1; Irido-corneo-trabecular dysgenesis. Last evaluated: 2024-05-05. Review status: criteria provided, single submitter. Criteria: Invitae Variant Classification Sherloc (09022015). Collection method: clinical testing. Allele origin: germline.
Comment: This sequence change affects codon 85 of the PAX6 mRNA. It is a 'silent' change, meaning that it does not change the encoded amino acid sequence of the PAX6 protein. This variant is not present in population databases (gnomAD no frequency). This variant has not been reported in the literature in individuals affected with PAX6-related conditions. ClinVar contains an entry for this variant (Variation ID: 418399). Algorithms developed to predict the effect of sequence changes on RNA splicing suggest that this variant may create or strengthen a splice site. In summary, the available evidence is currently insufficient to determine the role of this variant in disease. Therefore, it has been classified as a Variant of Uncertain Significance.

GeneDx
Classification: Likely pathogenic. Last evaluated: 2016-01-25. Review status: criteria provided, single submitter. Criteria: GeneDx Variant Classification (06012015). Collection method: clinical testing. Allele origin: germline. Affected: yes.
Comment: To our knowledge, c.255 C>T has neither been reported as a pathogenic variant nor as a benign variant. This variant is silent on the protein level as it maintains the normal Serine residue at amino acid position 85 (AGC>AGT) of the PAX6 protein. However, the c.255 C>T nucleotide substitution is predicted to activate a cryptic splice donor site at this position, which could lead to abnormal gene splicing, resulting in the production of an abnormal message that is subject to nonsense-mediated mRNA decay, or to an abnormal protein product if the message is used for protein translation. The c.255 C>T variant was not observed in approximately 6,500 individuals of European and African American ancestry in the NHLBI Exome Sequencing Project, indicating it is not a common benign variant in these populations.

Wessex Regional Genetics Laboratory, Salisbury District Hospital
Classification: Uncertain significance for Aniridia 1. Last evaluated: 2019-08-15. Review status: no assertion criteria provided. Criteria: ACMG Guidelines, 2015. Collection method: clinical testing. Allele origin: unknown. Inheritance: Autosomal dominant inheritance. Affected: yes. Not counted in ClinVar's aggregate classification.

NM_001368894.2(PAX6):c.297C>T (p.Ser99=)

Gene: PAX6 (paired box 6; minus strand). Cytogenetic location: 11p13.
Variant type: single nucleotide variant.
Coding change: c.297C>T on transcript NM_001368894.2 (MANE Select); coding-DNA position 297, C replaced by T.
Protein change: p.Ser99=; no amino-acid change (serine 99 retained).
Molecular consequence: synonymous variant. On other transcripts: 5 prime UTR variant (14), non-coding transcript variant (2), intron variant (8).
Genome position (GRCh38, 1-based): chr11:31,801,663, G>A on the plus strand (C>T on the coding strand, the complement: PAX6 is on the minus strand). VCF-style: chr11-31801663-G-A. GRCh37 (hg19) VCF-style: chr11-31823211-G-A.
Other names: c.255C>T, p.Ser85= (NM_000280.6, NM_001127612.3, NM_001258464.2 and 10 more transcripts); c.297C>T, p.Ser99= (NM_001258462.3, NM_001258463.2, NM_001310158.2 and 6 more transcripts); c.-485C>T (NM_001310160.2, NM_001368902.2, NM_001368905.2); c.-154C>T (NM_001310161.3, NM_001368899.2, NM_001368900.2 and 8 more transcripts); c.498C>T, p.Ser166= (NM_001368910.2); c.300C>T, p.Ser100= (NM_001368911.2); c.372C>T, p.Ser124= (NM_001368918.2, NM_001368919.2); c.330C>T, p.Ser110= (NM_001368920.2); and 2 more.
Identifiers: ClinVar variation 418399 (VCV000418399.6), dbSNP rs1064793223, ClinGen allele CA16619313.
Genomic context (GRCh38, chr11:31,801,663, plus strand): 5'-TCTGTCTCGGATTTCCCAAGCAAAGATGGACGGGCACTCCCGCTTATACTGGGCTATTTT[G>A]CTTACAACTTCTGGAGTCGCTACTCTCGGTTTACTACCACCGATTGCCCTGGGTCTGATG-3'
Protein context (NP_001355823.1, residues 89-109): KPRVATPEVV[Ser99=]KIAQYKRECP